The following is an entry in ClinVar:

ClinVar aggregate classification (germline): Uncertain significance. Review status: criteria provided, multiple submitters, no conflicts (2 of 4 stars). 7 submissions from 7 submitters: Uncertain significance (5). 2 of the submissions do not count toward it. Last evaluated 2024-11-21.

Conditions:
Meniere disease. Also called: Ménière's disease. Identifiers: MedGen C0025281, MONDO:0007972, OMIM 156000.
Glycogen storage disease type III (GSD3). Also called: Cori disease; FORBES DISEASE. Identifiers: Orphanet 366, MedGen C0017922, MONDO:0009291, OMIM 232400.
Inborn genetic diseases. Identifiers: MedGen C0950123, MeSH D030342.

Allele frequency attached by ClinVar (database versions not stated): ESP Exome Variant Server 0.00016; gnomAD 0.00023 and 0.00026; ExAC 0.00025; gnomAD exomes 0.00027 and 0.00050; TOPMed 0.00029.

Submissions (7):

Blueprint Genetics
Classification: Uncertain significance. Last evaluated: 2024-11-21. Review status: criteria provided, single submitter. Criteria: ACMG Guidelines, 2015. Collection method: clinical testing. Allele origin: germline.

Labcorp Genetics (formerly Invitae), Labcorp
Classification: Uncertain significance for Glycogen storage disease type III. Last evaluated: 2022-10-17. Review status: criteria provided, single submitter. Criteria: Invitae Variant Classification Sherloc (09022015). Collection method: clinical testing. Allele origin: germline.
Comment: This sequence change replaces arginine, which is basic and polar, with glutamine, which is neutral and polar, at codon 285 of the AGL protein (p.Arg285Gln). This variant is present in population databases (rs144817648, gnomAD 0.05%). This variant has not been reported in the literature in individuals affected with AGL-related conditions. ClinVar contains an entry for this variant (Variation ID: 385974). Advanced modeling of protein sequence and biophysical properties (such as structural, functional, and spatial information, amino acid conservation, physicochemical variation, residue mobility, and thermodynamic stability) performed at Invitae indicates that this missense variant is not expected to disrupt AGL protein function. Algorithms developed to predict the effect of sequence changes on RNA splicing suggest that this variant may disrupt the consensus splice site. In summary, the available evidence is currently insufficient to determine the role of this variant in disease. Therefore, it has been classified as a Variant of Uncertain Significance.

Genome-Nilou Lab
Classification: Uncertain significance for Glycogen storage disease type III. Last evaluated: 2021-07-15. Review status: criteria provided, single submitter. Criteria: ACMG Guidelines, 2015. Collection method: clinical testing. Allele origin: germline. Affected: no.

Ambry Genetics
Classification: Uncertain significance for Inborn genetic diseases. Last evaluated: 2021-06-11. Review status: criteria provided, single submitter. Criteria: Ambry Variant Classification Scheme 2023. Collection method: clinical testing. Allele origin: germline.

GeneDx
Classification: Uncertain significance. Last evaluated: 2018-02-14. Review status: criteria provided, single submitter. Criteria: GeneDx Variant Classification (06012015). Collection method: clinical testing. Allele origin: germline. Affected: yes.
Comment: The R285Q variant in the AGL gene has not been reported previously as a pathogenic variant, nor as a benign variant, to our knowledge. The R285Q variant was not observed at any significant frequency in approximately 6,300 individuals of European and African American ancestry in the NHLBI Exome Sequencing Project, indicating it is not a common benign variant in these populations. The R285Q variant is a semi-conservative amino acid substitution, which may impact secondary protein structure as these residues differ in some properties. This substitution occurs at a position that is conserved across species. In silico analysis is inconsistent in its predictions as to whether or not the variant is damaging to the protein structure/function. We interpret R285Q as a variant of uncertain significance.

Center for Computational Biology & Bioinformatics, University of California, San Diego
Classification: Uncertain significance for Meniere disease. Last evaluated: 2024-06-03. Review status: no assertion criteria provided. Collection method: research. Allele origin: germline. Affected: yes. Not counted in ClinVar's aggregate classification.

Natera, Inc.
Classification: Uncertain significance for Glycogen storage disease type III. Last evaluated: 2019-12-16. Review status: no assertion criteria provided. Collection method: clinical testing. Allele origin: germline. Not counted in ClinVar's aggregate classification.

NM_000642.3(AGL):c.854G>A (p.Arg285Gln)

Gene: AGL (amylo-alpha-1,6-glucosidase and 4-alpha-glucanotransferase; plus strand). Cytogenetic location: 1p21.2.
Variant type: single nucleotide variant.
Coding change: c.854G>A on transcript NM_000642.3 (MANE Select); coding-DNA position 854, G replaced by A.
Protein change: p.Arg285Gln; replaces arginine 285 with glutamine.
Molecular consequence: missense variant.
Genome position (GRCh38, 1-based): chr1:99,870,765, G>A. VCF-style: chr1-99870765-G-A. GRCh37 (hg19) VCF-style: chr1-100336321-G-A.
Other names: c.854G>A, p.Arg285Gln (NM_000028.3, NM_000643.3, NM_000644.3 and 3 more transcripts); c.806G>A, p.Arg269Gln (NM_000646.3); c.650G>A, p.Arg217Gln (NM_001425328.1, NM_001425329.1); c.476G>A, p.Arg159Gln (NM_001425332.1); short protein forms R285Q, R269Q, R159Q, R217Q.
Identifiers: ClinVar variation 385974 (VCV000385974.13), dbSNP rs144817648, ClinGen allele CA966299.
Genomic context (GRCh38, chr1:99,870,765, plus strand): 5'-ATTTTAAATAAGTATATGTATATATGTATTTTTTAACTATTGACATTTTTCAGTCCATCC[G>A]AAAAATAATTTGGGAGGATATTTTTCCAAAGCTTAAACTCTGGGAATTTTTCCAAGTAGA-3'
Protein context (NP_000633.2, residues 275-295): IENDHHMNSI[Arg285Gln]KIIWEDIFPK